The following is an entry in ClinVar:

NM_002778.4(PSAP):c.791T>A (p.Ile264Asn)

Gene: PSAP (prosaposin; minus strand). Cytogenetic location: 10q22.1.
Variant type: single nucleotide variant.
Coding change: c.791T>A on transcript NM_002778.4 (MANE Select); coding-DNA position 791, T replaced by A.
Protein change: p.Ile264Asn; replaces isoleucine 264 with asparagine.
Molecular consequence: missense variant.
Genome position (GRCh38, 1-based): chr10:71,821,994, A>T on the plus strand (T>A on the coding strand, the complement: PSAP is on the minus strand). VCF-style: chr10-71821994-A-T. GRCh37 (hg19) VCF-style: chr10-73581751-A-T.
Other names: c.800T>A, p.Ile267Asn (NM_001042465.3); c.797T>A, p.Ile266Asn (NM_001042466.3); short protein forms I266N, I264N, I267N.
Identifiers: ClinVar variation 1438756 (VCV001438756.3), dbSNP rs776833741, ClinGen allele CA5547600.

ClinVar aggregate classification (germline): Uncertain significance (1 of 4 stars; one submission).

Conditions:
Sphingolipid activator protein 1 deficiency. Also called: METACHROMATIC LEUKODYSTROPHY DUE TO CEREBROSIDE SULFATASE ACTIVATOR DEFICIENCY; Metachromatic leukodystrophy due to saposin B deficiency; Saposin B Deficiency. Identifiers: Orphanet 512, MedGen C0268262, MONDO:0009590, OMIM 249900.

Allele frequency attached by ClinVar (database versions not stated): TOPMed below 0.00001; gnomAD 0.00001; gnomAD exomes 0.00002 and 0.00003; ExAC 0.00003.
gnomAD v4.1: 41 of 1,613,952 alleles (0.0025%); highest among the groups gnomAD compares: Non-Finnish European, 0.0032%; no homozygotes.

Submission:

Labcorp Genetics (formerly Invitae), Labcorp
Classification: Uncertain significance for Sphingolipid activator protein 1 deficiency. Last evaluated: 2021-11-25. Review status: criteria provided, single submitter. Criteria: Invitae Variant Classification Sherloc (09022015). Collection method: clinical testing. Allele origin: germline.
Comment: This sequence change replaces isoleucine, which is neutral and non-polar, with asparagine, which is neutral and polar, at codon 264 of the PSAP protein (p.Ile264Asn). This variant is present in population databases (rs776833741, gnomAD 0.003%). This variant has not been reported in the literature in individuals affected with PSAP-related conditions. Algorithms developed to predict the effect of missense changes on protein structure and function are either unavailable or do not agree on the potential impact of this missense change (SIFT: "Not Available"; PolyPhen-2: "Probably Damaging"; Align-GVGD: "Not Available"). In summary, the available evidence is currently insufficient to determine the role of this variant in disease. Therefore, it has been classified as a Variant of Uncertain Significance.